The following is an entry in ClinVar:

ClinVar aggregate classification (germline): Uncertain significance (1 of 4 stars; one submission).

Allele frequency attached by ClinVar (database versions not stated): gnomAD exomes below 0.00001; gnomAD 0.00001.

Submission:

Labcorp Genetics (formerly Invitae), Labcorp
Classification: Uncertain significance. Last evaluated: 2022-02-03. Review status: criteria provided, single submitter. Criteria: Invitae Variant Classification Sherloc (09022015). Collection method: clinical testing. Allele origin: germline.
Comment: In summary, the available evidence is currently insufficient to determine the role of this variant in disease. Therefore, it has been classified as a Variant of Uncertain Significance. Algorithms developed to predict the effect of missense changes on protein structure and function (SIFT, PolyPhen-2, Align-GVGD) all suggest that this variant is likely to be disruptive. ClinVar contains an entry for this variant (Variation ID: 855249). This variant has not been reported in the literature in individuals affected with DHX38-related conditions. This variant is not present in population databases (gnomAD no frequency). This sequence change replaces arginine, which is basic and polar, with glutamine, which is neutral and polar, at codon 111 of the DHX38 protein (p.Arg111Gln).

NM_014003.4(DHX38):c.332G>A (p.Arg111Gln)

Gene: DHX38 (DEAH-box helicase 38; plus strand). Cytogenetic location: 16q22.2.
Variant type: single nucleotide variant.
Coding change: c.332G>A on transcript NM_014003.4 (MANE Select); coding-DNA position 332, G replaced by A.
Protein change: p.Arg111Gln; replaces arginine 111 with glutamine.
Molecular consequence: missense variant.
Genome position (GRCh38, 1-based): chr16:72,096,830, G>A. VCF-style: chr16-72096830-G-A. GRCh37 (hg19) VCF-style: chr16-72130729-G-A.
Other names: short protein forms R111Q.
Identifiers: ClinVar variation 855249 (VCV000855249.9), dbSNP rs2042026565, ClinGen allele CA396700616.